The following is an entry in ClinVar:

NM_001655.5(ARCN1):c.155A>G (p.Glu52Gly)

Gene: ARCN1 (archain 1; plus strand). Cytogenetic location: 11q23.3.
Variant type: single nucleotide variant.
Coding change: c.155A>G on transcript NM_001655.5 (MANE Select); coding-DNA position 155, A replaced by G.
Protein change: p.Glu52Gly; replaces glutamic acid 52 with glycine.
Molecular consequence: missense variant. On other transcripts: intron variant (1).
Genome position (GRCh38, 1-based): chr11:118,581,397, A>G. VCF-style: chr11-118581397-A-G. GRCh37 (hg19) VCF-style: chr11-118452112-A-G.
Other names: c.4-1782A>G (NM_001142281.2); short protein forms E52G.
Identifiers: ClinVar variation 2555559 (VCV002555559.3), dbSNP rs2497675198, ClinGen allele CA382801379.

ClinVar aggregate classification (germline): Conflicting classifications of pathogenicity. Review status: criteria provided, conflicting classifications (1 of 4 stars). 2 submissions from 2 submitters: Uncertain significance (1); Likely benign (1). Last evaluated 2024-09-20.

Conditions:
Inborn genetic diseases. Identifiers: MedGen C0950123, MeSH D030342.
Short stature, rhizomelic, with microcephaly, micrognathia, and developmental delay (SSMG). Also called: SHORT STATURE-MICROGNATHIA SYNDROME. Identifiers: Orphanet 659702, MedGen C4310686, MONDO:0014948, OMIM 617164.

Submissions (2):

3billion
Classification: Likely benign for Short stature, rhizomelic, with microcephaly, micrognathia, and developmental delay. Last evaluated: 2024-09-20. Review status: criteria provided, single submitter. Criteria: ACMG Guidelines, 2015. Collection method: clinical testing. Allele origin: germline. Affected: no.
Comment: The variant was identified in at least one patient who was diagnosed with a different variant in another gene and showed no symptoms related to the gene containing the variant in question.

Ambry Genetics
Classification: Uncertain significance for Inborn genetic diseases. Last evaluated: 2023-06-02. Review status: criteria provided, single submitter. Criteria: Ambry Variant Classification Scheme 2023. Collection method: clinical testing. Allele origin: germline.